The following is an entry in ClinVar:

ClinVar aggregate classification (germline): Uncertain significance (1 of 4 stars; one submission).

Conditions:
Hereditary cancer-predisposing syndrome. Also called: Neoplastic Syndromes, Hereditary; Tumor predisposition; Hereditary neoplastic syndrome; Hereditary Cancer Syndrome. Identifiers: Orphanet 140162, MedGen C0027672, MeSH D009386, MONDO:0015356.

Submission:

Ambry Genetics
Classification: Uncertain significance for Hereditary cancer-predisposing syndrome. Last evaluated: 2026-07-07. Review status: criteria provided, single submitter. Criteria: Ambry Variant Classification Scheme 2023. Collection method: clinical testing. Allele origin: germline.
Comment: The p.A726V variant (also known as c.2177C>T), located in coding exon 15 of the PTCH1 gene, results from a C to T substitution at nucleotide position 2177. The alanine at codon 726 is replaced by valine, an amino acid with similar properties. This amino acid position is conserved. In addition, the in silico prediction for this alteration is inconclusive. Based on the available evidence, the clinical significance of this variant remains unclear.

NM_000264.5(PTCH1):c.2375C>T (p.Ala792Val)

Genes: PTCH1 (patched 1; minus strand), LOC100507346 (uncharacterized LOC100507346; plus strand). Cytogenetic location: 9q22.32.
Variant type: single nucleotide variant.
Coding change: c.2375C>T on transcript NM_000264.5 (MANE Select); coding-DNA position 2375, C replaced by T.
Protein change: p.Ala792Val; replaces alanine 792 with valine.
Molecular consequence: missense variant.
Genome position (GRCh38, 1-based): chr9:95,467,301, G>A on the plus strand (C>T on the coding strand, the complement: PTCH1 is on the minus strand). VCF-style: chr9-95467301-G-A. GRCh37 (hg19) VCF-style: chr9-98229583-G-A.
Other names: c.2177C>T, p.Ala726Val (NM_001083602.3); c.2372C>T, p.Ala791Val (NM_001083603.3); c.1922C>T, p.Ala641Val (NM_001083604.3, NM_001083605.3, NM_001083606.3 and 1 more transcripts); c.2219C>T, p.Ala740Val (NM_001354918.2); short protein forms A641V, A740V, A726V, A791V, A792V.
Identifiers: ClinVar variation 5027506 (VCV005027506.1).